The following is an entry in ClinVar:

NM_182961.4(SYNE1):c.15533A>T (p.Lys5178Ile)

Gene: SYNE1 (spectrin repeat containing nuclear envelope protein 1; minus strand). Cytogenetic location: 6q25.2.
Variant type: single nucleotide variant.
Coding change: c.15533A>T on transcript NM_182961.4 (MANE Select); coding-DNA position 15533, A replaced by T.
Protein change: p.Lys5178Ile; replaces lysine 5178 with isoleucine.
Molecular consequence: missense variant.
Genome position (GRCh38, 1-based): chr6:152,325,208, T>A on the plus strand (A>T on the coding strand, the complement: SYNE1 is on the minus strand). VCF-style: chr6-152325208-T-A. GRCh37 (hg19) VCF-style: chr6-152646343-T-A.
Other names: c.15320A>T, p.Lys5107Ile (NM_033071.5); short protein forms K5107I, K5178I.
Identifiers: ClinVar variation 1038785 (VCV001038785.8), dbSNP rs2096026505, ClinGen allele CA366091160.

ClinVar aggregate classification (germline): Uncertain significance (1 of 4 stars; one submission).

Conditions:
Emery-Dreifuss muscular dystrophy 4, autosomal dominant (EDMD4). Also called: EMERY-DREIFUSS MUSCULAR DYSTROPHY 4 WITH VARIABLE FEATURES. Identifiers: Orphanet 261, MedGen C2751807, MONDO:0013071, OMIM 612998.
Autosomal recessive ataxia, Beauce type. Also called: Spinocerebellar ataxia, autosomal recessive 8; ATAXIA, RECESSIVE, OF BEAUCE; SYNE1 Deficiency; SYNE1-Related Autosomal Recessive Cerebellar Ataxia. Identifiers: Orphanet 88644, MedGen C1853116, MONDO:0012549, OMIM 610743.

Submission:

Labcorp Genetics (formerly Invitae), Labcorp
Classification: Uncertain significance for Emery-Dreifuss muscular dystrophy 4, autosomal dominant; Autosomal recessive ataxia, Beauce type. Last evaluated: 2022-08-22. Review status: criteria provided, single submitter. Criteria: Invitae Variant Classification Sherloc (09022015). Collection method: clinical testing. Allele origin: germline.
Comment: This sequence change replaces lysine, which is basic and polar, with isoleucine, which is neutral and non-polar, at codon 5107 of the SYNE1 protein (p.Lys5107Ile). This variant is not present in population databases (gnomAD no frequency). This variant has not been reported in the literature in individuals affected with SYNE1-related conditions. ClinVar contains an entry for this variant (Variation ID: 1038785). Algorithms developed to predict the effect of missense changes on protein structure and function (SIFT, PolyPhen-2, Align-GVGD) all suggest that this variant is likely to be disruptive. In summary, the available evidence is currently insufficient to determine the role of this variant in disease. Therefore, it has been classified as a Variant of Uncertain Significance.